The following is an entry in ClinVar:

ClinVar aggregate classification (germline): Pathogenic/Likely pathogenic. Review status: criteria provided, multiple submitters, no conflicts (2 of 4 stars). 3 submissions from 3 submitters: Pathogenic (2); Likely pathogenic (1). Last evaluated 2024-01-26.

Conditions:
Kabuki syndrome. Also called: Kabuki make-up syndrome; NIIKAWA-KUROKI SYNDROME. Identifiers: Orphanet 2322, MedGen C0796004, MONDO:0016512.
Kabuki syndrome 1 (KABUK1). Also called: KMT2D-Related Kabuki Syndrome. Identifiers: Orphanet 2322, MedGen CN030661, MONDO:0007843, OMIM 147920.

Submissions (3):

MVZ Medizinische Genetik Mainz
Classification: Likely pathogenic for Kabuki syndrome 1. Last evaluated: 2024-01-26. Review status: criteria provided, single submitter. Criteria: UK Practice Guidelines For Variant Classification V4 01 2020. Collection method: clinical testing. Allele origin: germline. Inheritance: Autosomal dominant inheritance. Affected: yes. Observed: 1 variant allele.
Comment: ACMG Criteria: PVS1,PM2_SUP

GeneDx
Classification: Pathogenic. Last evaluated: 2022-01-28. Review status: criteria provided, single submitter. Criteria: GeneDx Variant Classification Process June 2021. Collection method: clinical testing. Allele origin: germline. Affected: yes.
Comment: Nonsense variant predicted to result in protein truncation or nonsense mediated decay in a gene for which loss-of-function is a known mechanism of disease; Not observed at significant frequency in large population cohorts (gnomAD); This variant is associated with the following publications: (PMID: 30322385, 29304373)

Labcorp Genetics (formerly Invitae), Labcorp
Classification: Pathogenic for Kabuki syndrome. Last evaluated: 2021-12-06. Review status: criteria provided, single submitter. Criteria: Invitae Variant Classification Sherloc (09022015). Collection method: clinical testing. Allele origin: germline.
Comment: This sequence change creates a premature translational stop signal (p.Arg5097*) in the KMT2D gene. It is expected to result in an absent or disrupted protein product. Loss-of-function variants in KMT2D are known to be pathogenic (PMID: 22126750). This variant is not present in population databases (gnomAD no frequency). This premature translational stop signal has been observed in individual(s) with clinical features of Kabuki syndrome (PMID: 29304373). ClinVar contains an entry for this variant (Variation ID: 851272). For these reasons, this variant has been classified as Pathogenic.

Literature cited by the submitters: PubMed 22126750 (cited by Labcorp Genetics (formerly Invitae), Labcorp); PubMed 29304373 (cited by Labcorp Genetics (formerly Invitae), Labcorp).

NM_003482.4(KMT2D):c.15289C>T (p.Arg5097Ter)

Gene: KMT2D (lysine methyltransferase 2D; minus strand). Cytogenetic location: 12q13.12.
Variant type: single nucleotide variant.
Coding change: c.15289C>T on transcript NM_003482.4 (MANE Select); coding-DNA position 15289, C replaced by T.
Protein change: p.Arg5097Ter; replaces arginine 5097 with a stop codon.
Molecular consequence: nonsense.
Genome position (GRCh38, 1-based): chr12:49,026,677, G>A on the plus strand (C>T on the coding strand, the complement: KMT2D is on the minus strand). VCF-style: chr12-49026677-G-A. GRCh37 (hg19) VCF-style: chr12-49420460-G-A.
Other names: short protein forms R5097*.
Identifiers: ClinVar variation 851272 (VCV000851272.10), dbSNP rs1942608745, ClinGen allele CA384688763.